The following is an entry in ClinVar:

NM_001557.4(CXCR2):c.940T>C (p.Tyr314His)

Gene: CXCR2 (C-X-C motif chemokine receptor 2; plus strand). Cytogenetic location: 2q35.
Variant type: single nucleotide variant.
Coding change: c.940T>C on transcript NM_001557.4 (MANE Select); coding-DNA position 940, T replaced by C.
Protein change: p.Tyr314His; replaces tyrosine 314 with histidine.
Molecular consequence: missense variant.
Genome position (GRCh38, 1-based): chr2:218,135,741, T>C. VCF-style: chr2-218135741-T-C. GRCh37 (hg19) VCF-style: chr2-219000464-T-C.
Other names: c.940T>C, p.Tyr314His (NM_001168298.2); short protein forms Y314H.
Identifiers: ClinVar variation 1900963 (VCV001900963.5), dbSNP rs2469116403, ClinGen allele CA350532542.
Genomic context (GRCh38, chr2:218,135,741, plus strand): 5'-CGGGCTCTGGATGCCACCGAGATTCTGGGCATCCTTCACAGCTGCCTCAACCCCCTCATC[T>C]ACGCCTTCATTGGCCAGAAGTTTCGCCATGGACTCCTCAAGATTCTAGCTATACATGGCT-3'
Protein context (NP_001548.1, residues 304-324): ILHSCLNPLI[Tyr314His]AFIGQKFRHG

ClinVar aggregate classification (germline): Uncertain significance (1 of 4 stars; one submission).

Allele frequency attached by ClinVar (database versions not stated): gnomAD exomes below 0.00001.
gnomAD v4.1: 1 of 1,614,096 alleles (0.000062%); highest among the groups gnomAD compares: Non-Finnish European, 0.000085%; no homozygotes.

Submission:

Labcorp Genetics (formerly Invitae), Labcorp
Classification: Uncertain significance. Last evaluated: 2022-04-20. Review status: criteria provided, single submitter. Criteria: Invitae Variant Classification Sherloc (09022015). Collection method: clinical testing. Allele origin: germline.
Comment: In summary, the available evidence is currently insufficient to determine the role of this variant in disease. Therefore, it has been classified as a Variant of Uncertain Significance. Algorithms developed to predict the effect of missense changes on protein structure and function (SIFT, PolyPhen-2, Align-GVGD) all suggest that this variant is likely to be disruptive. This variant has not been reported in the literature in individuals affected with CXCR2-related conditions. This variant is not present in population databases (gnomAD no frequency). This sequence change replaces tyrosine, which is neutral and polar, with histidine, which is basic and polar, at codon 314 of the CXCR2 protein (p.Tyr314His).